The following is an entry in ClinVar:

NM_175875.5(SIX5):c.936C>T (p.Pro312=)

Genes: SIX5 (SIX homeobox 5; minus strand), LOC107075317 (origin of replication in DMPK trinucleotide repeat region; plus strand). Cytogenetic location: 19q13.32.
Variant type: single nucleotide variant.
Coding change: c.936C>T on transcript NM_175875.5 (MANE Select); coding-DNA position 936, C replaced by T.
Protein change: p.Pro312=; no amino-acid change (proline 312 retained).
Molecular consequence: synonymous variant.
Genome position (GRCh38, 1-based): chr19:45,767,023, G>A on the plus strand (C>T on the coding strand, the complement: SIX5 is on the minus strand). VCF-style: chr19-45767023-G-A. GRCh37 (hg19) VCF-style: chr19-46270281-G-A.
Identifiers: ClinVar variation 748766 (VCV000748766.10), dbSNP rs374751577, ClinGen allele CA9520718.

ClinVar aggregate classification (germline): Likely benign. Review status: criteria provided, multiple submitters, no conflicts (2 of 4 stars). 5 submissions from 5 submitters: Likely benign (5). Last evaluated 2025-09-06.

Conditions:
SIX5-related disorder. Also called: SIX5-related condition.
Branchiootorenal syndrome 2 (BOR2). Identifiers: Orphanet 107, MedGen C1970479, MONDO:0012575, OMIM 610896.

Allele frequency attached by ClinVar (database versions not stated): gnomAD 0.00003; TOPMed 0.00003; ESP Exome Variant Server 0.00008.
gnomAD v4.1: 115 of 1,608,524 alleles (0.0071%); highest among the groups gnomAD compares: Middle Eastern, 0.11%; 2 homozygotes.

Submissions (5):

Labcorp Genetics (formerly Invitae), Labcorp
Classification: Likely benign. Last evaluated: 2025-09-06. Review status: criteria provided, single submitter. Criteria: Invitae Variant Classification Sherloc (09022015). Collection method: clinical testing. Allele origin: germline.

PreventionGenetics, part of Exact Sciences
Classification: Likely benign for SIX5-related condition. Last evaluated: 2025-01-03. Review status: criteria provided, single submitter. Criteria: ACMG Guidelines, 2015. Collection method: clinical testing. Allele origin: germline.
Comment: This variant is classified as likely benign based on ACMG/AMP sequence variant interpretation guidelines (Richards et al. 2015 PMID: 25741868, with internal and published modifications).

Blueprint Genetics
Classification: Likely benign. Last evaluated: 2024-11-19. Review status: criteria provided, single submitter. Criteria: ACMG Guidelines, 2015. Collection method: clinical testing. Allele origin: germline.

Fulgent Genetics
Classification: Likely benign for Branchiootorenal syndrome 2. Last evaluated: 2022-02-17. Review status: criteria provided, single submitter. Criteria: ACMG Guidelines, 2015. Collection method: clinical testing. Allele origin: unknown.

Breakthrough Genomics
Classification: Likely benign. Review status: criteria provided, single submitter. Criteria: ACMG Guidelines, 2015. Collection method: not provided. Allele origin: germline. Inheritance: Unknown mechanism. Affected: yes.